The following is an entry in ClinVar:

ClinVar aggregate classification (germline): Uncertain significance (1 of 4 stars; one submission).

gnomAD v4.1: 10 of 1,613,616 alleles (0.00062%); highest among the groups gnomAD compares: Non-Finnish European, 0.00085%; no homozygotes.

Submission:

Athena Diagnostics
Classification: Uncertain significance. Last evaluated: 2025-10-10. Review status: criteria provided, single submitter. Criteria: Athena Diagnostics Criteria. Collection method: clinical testing. Allele origin: unknown.
Comment: Available data are insufficient to determine the clinical significance of the variant at this time. The frequency of this variant in the general population is uninformative in assessment of its pathogenicity. Polyphen and MutationTaster predict this amino acid change may be benign.

NM_001267550.2(TTN):c.86104A>C (p.Ile28702Leu)

Genes: TTN (titin; minus strand), TTN-AS1 (TTN antisense RNA 1; plus strand). Cytogenetic location: 2q31.2.
Variant type: single nucleotide variant.
Coding change: c.86104A>C on transcript NM_001267550.2 (MANE Select); coding-DNA position 86104, A replaced by C.
Protein change: p.Ile28702Leu; replaces isoleucine 28702 with leucine.
Molecular consequence: missense variant.
Genome position (GRCh38, 1-based): chr2:178,560,028, T>G on the plus strand (A>C on the coding strand, the complement: TTN is on the minus strand). VCF-style: chr2-178560028-T-G. GRCh37 (hg19) VCF-style: chr2-179424755-T-G.
Other names: c.81181A>C, p.Ile27061Leu (NM_001256850.1); c.58909A>C, p.Ile19637Leu (NM_003319.4); c.78400A>C, p.Ile26134Leu (NM_133378.4); c.59284A>C, p.Ile19762Leu (NM_133432.3); c.59485A>C, p.Ile19829Leu (NM_133437.4); short protein forms I19637L, I19762L, I19829L, I26134L, I27061L, I28702L.
Identifiers: ClinVar variation 4682292 (VCV004682292.1).